The following is an entry in ClinVar:

ClinVar aggregate classification (germline): Uncertain significance (0 of 4 stars; one submission).

Conditions:
MAGEL2-related disorder. Also called: MAGEL2-related condition.

Allele frequency attached by ClinVar (database versions not stated): gnomAD exomes below 0.00001; TOPMed below 0.00001; gnomAD 0.00001.

Submission:

PreventionGenetics, part of Exact Sciences
Classification: Uncertain significance for MAGEL2-related condition. Last evaluated: 2024-02-08. Review status: no assertion criteria provided. Collection method: clinical testing. Allele origin: germline.
Comment: The MAGEL2 c.1125G>C variant is predicted to result in the amino acid substitution p.Trp375Cys. To our knowledge, this variant has not been reported in the literature or in a large population database, indicating this variant is rare. At this time, the clinical significance of this variant is uncertain due to the absence of conclusive functional and genetic evidence.

NM_019066.5(MAGEL2):c.1125G>C (p.Trp375Cys)

Gene: MAGEL2 (MAGE family member L2; minus strand). Cytogenetic location: 15q11.2.
Variant type: single nucleotide variant.
Coding change: c.1125G>C on transcript NM_019066.5 (MANE Select); coding-DNA position 1125, G replaced by C.
Protein change: p.Trp375Cys; replaces tryptophan 375 with cysteine.
Molecular consequence: missense variant.
Genome position (GRCh38, 1-based): chr15:23,646,618, C>G on the plus strand (G>C on the coding strand, the complement: MAGEL2 is on the minus strand). VCF-style: chr15-23646618-C-G. GRCh37 (hg19) VCF-style: chr15-23891765-C-G.
Other names: short protein forms W375C.
Identifiers: ClinVar variation 3055913 (VCV003055913.2), dbSNP rs1321398951, ClinGen allele CA391335124.